The following is an entry in ClinVar:

ClinVar aggregate classification (germline): Uncertain significance (1 of 4 stars; one submission).

Conditions:
Glycogen storage disease, type II (IOPD). Also called: POMPE DISEASE, INFANTILE-ONSET; GLYCOGEN STORAGE DISEASE II, INFANTILE-ONSET; ACID ALPHA-GLUCOSIDASE DEFICIENCY, INFANTILE-ONSET; GAA DEFICIENCY, INFANTILE-ONSET; ACID MALTASE DEFICIENCY, INFANTILE-ONSET; GLYCOGENOSIS, GENERALIZED, CARDIAC FORM. Identifiers: Orphanet 365, MedGen C0017921, MONDO:0009290, OMIM 232300.

Submission:

Labcorp Genetics (formerly Invitae), Labcorp
Classification: Uncertain significance for Glycogen storage disease, type II. Last evaluated: 2021-08-25. Review status: criteria provided, single submitter. Criteria: Invitae Variant Classification Sherloc (09022015). Collection method: clinical testing. Allele origin: germline.
Comment: This sequence change replaces glutamine with glutamic acid at codon 623 of the GAA protein (p.Gln623Glu). The glutamine residue is moderately conserved and there is a small physicochemical difference between glutamine and glutamic acid. This variant is not present in population databases (ExAC no frequency). This variant has not been reported in the literature in individuals affected with GAA-related conditions. Advanced modeling of protein sequence and biophysical properties (such as structural, functional, and spatial information, amino acid conservation, physicochemical variation, residue mobility, and thermodynamic stability) performed at Invitae indicates that this missense variant is not expected to disrupt GAA protein function. In summary, the available evidence is currently insufficient to determine the role of this variant in disease. Therefore, it has been classified as a Variant of Uncertain Significance.

NM_000152.5(GAA):c.1867C>G (p.Gln623Glu)

Gene: GAA (alpha glucosidase; plus strand). Cytogenetic location: 17q25.3.
Variant type: single nucleotide variant.
Coding change: c.1867C>G on transcript NM_000152.5 (MANE Select); coding-DNA position 1867, C replaced by G.
Protein change: p.Gln623Glu; replaces glutamine 623 with glutamic acid.
Molecular consequence: missense variant.
Genome position (GRCh38, 1-based): chr17:80,112,690, C>G. VCF-style: chr17-80112690-C-G. GRCh37 (hg19) VCF-style: chr17-78086489-C-G.
Other names: c.1867C>G, p.Gln623Glu (NM_001079803.3, NM_001079804.3); short protein forms Q623E.
Identifiers: ClinVar variation 1367301 (VCV001367301.6), dbSNP rs2143889579, ClinGen allele CA401369706.
Genomic context (GRCh38, chr17:80,112,690, plus strand): 5'-TTTGCTGGCCACGGCCGATACGCCGGCCACTGGACGGGGGACGTGTGGAGCTCCTGGGAG[C>G]AGCTCGCCTCCTCCGTGCCAGGTGAGCTCCTACCAGGAGGGGCTGCTCAGCAGAGTAGAG-3'
Protein context (NP_000143.2, residues 613-633): WTGDVWSSWE[Gln623Glu]LASSVPEILQ